The following is an entry in ClinVar:

ClinVar aggregate classification (germline): Conflicting classifications of pathogenicity. Review status: criteria provided, conflicting classifications (1 of 4 stars). 4 submissions from 4 submitters: Uncertain significance (1); Likely benign (3). Last evaluated 2026-01-30.

Conditions:
STXBP2-related disorder. Also called: STXBP2-related condition.
Familial hemophagocytic lymphohistiocytosis 5. Also called: STXBP2-Related Familial Hemophagocytic Lymphohistiocytosis (STXBP2-fHLH). Identifiers: Orphanet 540, MedGen C2751293, MONDO:0013135, OMIM 613101.

Allele frequency attached by ClinVar (database versions not stated): ExAC 0.00003; gnomAD exomes 0.00004; ESP Exome Variant Server 0.00008; gnomAD 0.00009; TOPMed 0.00009.
gnomAD v4.1: 243 of 1,613,702 alleles (0.015%); highest among the groups gnomAD compares: Non-Finnish European, 0.019%; no homozygotes.

Submissions (4):

Labcorp Genetics (formerly Invitae), Labcorp
Classification: Likely benign for Familial hemophagocytic lymphohistiocytosis 5. Last evaluated: 2026-01-30. Review status: criteria provided, single submitter. Criteria: Invitae Variant Classification Sherloc (09022015). Collection method: clinical testing. Allele origin: germline.

PreventionGenetics, part of Exact Sciences
Classification: Likely benign for STXBP2-related condition. Last evaluated: 2025-09-12. Review status: criteria provided, single submitter. Criteria: ACMG Guidelines, 2015. Collection method: clinical testing. Allele origin: germline.
Comment: This variant is classified as likely benign based on ACMG/AMP sequence variant interpretation guidelines (Richards et al. 2015 PMID: 25741868, with internal and published modifications).

Blueprint Genetics
Classification: Likely benign. Last evaluated: 2024-06-06. Review status: criteria provided, single submitter. Criteria: ACMG Guidelines, 2015. Collection method: clinical testing. Allele origin: germline.

Eurofins Ntd Llc (ga)
Classification: Uncertain significance. Last evaluated: 2016-02-03. Review status: criteria provided, single submitter. Criteria: EGL Classification Definitions 2015. Collection method: clinical testing. Allele origin: germline. Observed: 1 variant allele, 1 heterozygote.

NM_006949.4(STXBP2):c.1188G>A (p.Ala396=)

Gene: STXBP2 (syntaxin binding protein 2; plus strand). Cytogenetic location: 19p13.2.
Variant type: single nucleotide variant.
Coding change: c.1188G>A on transcript NM_006949.4 (MANE Select); coding-DNA position 1188, G replaced by A.
Protein change: p.Ala396=; no amino-acid change (alanine 396 retained).
Molecular consequence: synonymous variant. On other transcripts: non-coding transcript variant (1).
Genome position (GRCh38, 1-based): chr19:7,644,694, G>A. VCF-style: chr19-7644694-G-A. GRCh37 (hg19) VCF-style: chr19-7709580-G-A.
Other names: c.1179G>A, p.Ala393= (NM_001127396.3); c.1221G>A, p.Ala407= (NM_001272034.2).
Identifiers: ClinVar variation 286079 (VCV000286079.16), dbSNP rs371355447, ClinGen allele CA9144021.